The following is an entry in ClinVar:

ClinVar aggregate classification (germline): Pathogenic (1 of 4 stars; one submission).

Conditions:
Hereditary cancer-predisposing syndrome. Also called: Hereditary Cancer Syndrome; Hereditary neoplastic syndrome; Neoplastic Syndromes, Hereditary; Tumor predisposition. Identifiers: Orphanet 140162, MedGen C0027672, MeSH D009386, MONDO:0015356.

Submission:

Ambry Genetics
Classification: Pathogenic for Hereditary cancer-predisposing syndrome. Last evaluated: 2021-11-16. Review status: criteria provided, single submitter. Criteria: Ambry Variant Classification Scheme 2023. Collection method: clinical testing. Allele origin: germline.
Comment: The c.447delT pathogenic mutation, located in coding exon 2 of the BLM gene, results from a deletion of one nucleotide at nucleotide position 447, causing a translational frameshift with a predicted alternate stop codon (p.S149Rfs*30). This variant is considered to be rare based on population cohorts in the Genome Aggregation Database (gnomAD). This alteration is expected to result in loss of function by premature protein truncation or nonsense-mediated mRNA decay. As such, this alteration is interpreted as a disease-causing mutation.

NM_000057.4(BLM):c.447del (p.Ser149fs)

Gene: BLM (BLM RecQ like helicase; plus strand). Cytogenetic location: 15q26.1.
Variant type: Deletion.
Coding change: c.447del on transcript NM_000057.4 (MANE Select); coding-DNA position 447, one base deleted (T; older notation c.447delT).
Protein change: p.Ser149fs; shifts the reading frame from serine 149.
Molecular consequence: frameshift variant. On other transcripts: 5 prime UTR variant (1).
Genome position (GRCh38, 1-based): chr15:90,749,715, T deleted. VCF-style (leftmost placement, unchanged base first): chr15-90749714-GT-G. GRCh37 (hg19) VCF-style: chr15-91292944-GT-G.
Other names: c.447del, p.Ser149fs (NM_001287246.2, NM_001287247.2); c.-845del (NM_001287248.2); short protein forms S149fs.
Identifiers: ClinVar variation 1740890 (VCV001740890.2), dbSNP rs2505392471, ClinGen allele CA2580090265.